The following is an entry in ClinVar:

ClinVar aggregate classification (germline): Conflicting classifications of pathogenicity. Review status: criteria provided, conflicting classifications (1 of 4 stars). 3 submissions from 3 submitters: Uncertain significance (2); Likely benign (1). Last evaluated 2025-05-06.

Conditions:
Alagille syndrome due to a JAG1 point mutation. Also called: JAG1-Related Alagille Syndrome; HEPATIC DUCTULAR HYPOPLASIA, SYNDROMATIC; Alagille Syndrome 1. Identifiers: Orphanet 261619, Orphanet 52, MedGen C1956125, MONDO:0016862, OMIM 118450.
Cardiovascular phenotype. Identifiers: MedGen CN230736.

Allele frequency attached by ClinVar (database versions not stated): TOPMed 0.00001; ExAC 0.00002; gnomAD 0.00002; gnomAD exomes 0.00002; 1000 Genomes Project 30x 0.00016; 1000 Genomes Project 0.00020.
gnomAD v4.1: 27 of 1,614,144 alleles (0.0017%); highest among the groups gnomAD compares: South Asian, 0.0044%; no homozygotes.

Submissions (3):

Ambry Genetics
Classification: Likely benign for Cardiovascular phenotype. Last evaluated: 2025-05-06. Review status: criteria provided, single submitter. Criteria: Ambry Variant Classification Scheme 2023. Collection method: clinical testing. Allele origin: germline.

Labcorp Genetics (formerly Invitae), Labcorp
Classification: Uncertain significance for Alagille syndrome due to a JAG1 point mutation. Last evaluated: 2023-06-30. Review status: criteria provided, single submitter. Criteria: Invitae Variant Classification Sherloc (09022015). Collection method: clinical testing. Allele origin: germline.
Comment: This sequence change replaces glycine, which is neutral and non-polar, with serine, which is neutral and polar, at codon 734 of the JAG1 protein (p.Gly734Ser). This variant is present in population databases (rs199561320, gnomAD 0.006%). This variant has not been reported in the literature in individuals affected with JAG1-related conditions. ClinVar contains an entry for this variant (Variation ID: 1379657). Advanced modeling of protein sequence and biophysical properties (such as structural, functional, and spatial information, amino acid conservation, physicochemical variation, residue mobility, and thermodynamic stability) has been performed at Invitae for this missense variant, however the output from this modeling did not meet the statistical confidence thresholds required to predict the impact of this variant on JAG1 protein function. In summary, the available evidence is currently insufficient to determine the role of this variant in disease. Therefore, it has been classified as a Variant of Uncertain Significance.

AiLife Diagnostics
Classification: Uncertain significance. Last evaluated: 2022-02-18. Review status: criteria provided, single submitter. Criteria: ACMG Guidelines, 2015. Collection method: clinical testing. Allele origin: germline. Affected: yes. Observed: 1 variant allele.

NM_000214.3(JAG1):c.2200G>A (p.Gly734Ser)

Gene: JAG1 (jagged canonical Notch ligand 1; minus strand). Cytogenetic location: 20p12.2.
Variant type: single nucleotide variant.
Coding change: c.2200G>A on transcript NM_000214.3 (MANE Select); coding-DNA position 2200, G replaced by A.
Protein change: p.Gly734Ser; replaces glycine 734 with serine.
Molecular consequence: missense variant.
Genome position (GRCh38, 1-based): chr20:10,645,170, C>T on the plus strand (G>A on the coding strand, the complement: JAG1 is on the minus strand). VCF-style: chr20-10645170-C-T. GRCh37 (hg19) VCF-style: chr20-10625818-C-T.
Other names: c.2200G>A (NM_000214.2); short protein forms G734S.
Identifiers: ClinVar variation 1379657 (VCV001379657.8), dbSNP rs199561320, ClinGen allele CA9764607.